The following is an entry in ClinVar:

ClinVar aggregate classification (germline): Conflicting classifications of pathogenicity. Review status: criteria provided, conflicting classifications (1 of 4 stars). 5 submissions from 5 submitters: Uncertain significance (1); Likely benign (4). Last evaluated 2026-02-02.

Conditions:
AP3B2-related disorder. Also called: AP3B2-related condition.

Allele frequency attached by ClinVar (database versions not stated): gnomAD exomes 0.00011 and 0.00025; ExAC 0.00027; 1000 Genomes Project 30x 0.00078; 1000 Genomes Project 0.00080; gnomAD 0.00090 and 0.00096; TOPMed 0.00104; ESP Exome Variant Server 0.00113.
gnomAD v4.1: 304 of 1,613,862 alleles (0.019%); highest among the groups gnomAD compares: African/African-American, 0.32%; no homozygotes.

Submissions (5):

Labcorp Genetics (formerly Invitae), Labcorp
Classification: Likely benign. Last evaluated: 2026-02-02. Review status: criteria provided, single submitter. Criteria: Invitae Variant Classification Sherloc (09022015). Collection method: clinical testing. Allele origin: germline.

PreventionGenetics, part of Exact Sciences
Classification: Likely benign for AP3B2-related condition. Last evaluated: 2025-02-06. Review status: criteria provided, single submitter. Criteria: ACMG Guidelines, 2015. Collection method: clinical testing. Allele origin: germline.
Comment: This variant is classified as likely benign based on ACMG/AMP sequence variant interpretation guidelines (Richards et al. 2015 PMID: 25741868, with internal and published modifications).

CeGaT Center for Human Genetics Tuebingen
Classification: Likely benign. Last evaluated: 2024-09-01. Review status: criteria provided, single submitter. Criteria: CeGaT Center For Human Genetics Tuebingen Variant Classification Criteria Version 2. Collection method: clinical testing. Allele origin: germline. Affected: yes. Observed: 2 variant alleles.
Comment: AP3B2: BP4, BP7

Blueprint Genetics
Classification: Likely benign. Last evaluated: 2024-06-26. Review status: criteria provided, single submitter. Criteria: ACMG Guidelines, 2015. Collection method: clinical testing. Allele origin: germline.

GeneDx
Classification: Uncertain significance. Last evaluated: 2019-04-25. Review status: criteria provided, single submitter. Criteria: GeneDx Variant Classification Process June 2021. Collection method: clinical testing. Allele origin: germline. Affected: yes.
Comment: Has not been previously published as pathogenic or benign to our knowledge; In-silico analysis, which includes splice predictors and evolutionary conservation, is inconclusive as to whether the variant alters gene splicing. In the absence of RNA/functional studies, the actual effect of this sequence change is unknown.

NM_001278512.2(AP3B2):c.189G>A (p.Ala63=)

Genes: AP3B2 (adaptor related protein complex 3 subunit beta 2; minus strand), CPEB1-AS1 (CPEB1 antisense RNA 1; plus strand). Cytogenetic location: 15q25.2.
Variant type: single nucleotide variant.
Coding change: c.189G>A on transcript NM_001278512.2 (MANE Select); coding-DNA position 189, G replaced by A.
Protein change: p.Ala63=; no amino-acid change (alanine 63 retained).
Molecular consequence: synonymous variant.
Genome position (GRCh38, 1-based): chr15:82,689,378, C>T on the plus strand (G>A on the coding strand, the complement: AP3B2 is on the minus strand). VCF-style: chr15-82689378-C-T. GRCh37 (hg19) VCF-style: chr15-83358130-C-T.
Other names: c.189G>A, p.Ala63= (NM_001278511.2, NM_001348440.2, NM_004644.5).
Identifiers: ClinVar variation 721855 (VCV000721855.49), dbSNP rs145841558, ClinGen allele CA7700593.